The following is an entry in ClinVar:

ClinVar aggregate classification (germline): Likely benign (1 of 4 stars; one submission).

Allele frequency attached by ClinVar (database versions not stated): TOPMed 0.00007; ESP Exome Variant Server 0.00008.
gnomAD v4.1: 211 of 1,613,424 alleles (0.013%); highest among the groups gnomAD compares: Non-Finnish European, 0.016%; no homozygotes.

Submission:

CeGaT Center for Human Genetics Tuebingen
Classification: Likely benign. Last evaluated: 2022-08-01. Review status: criteria provided, single submitter. Criteria: CeGaT Center For Human Genetics Tuebingen Variant Classification Criteria Version 2. Collection method: clinical testing. Allele origin: germline. Affected: yes. Observed: 1 variant allele.
Comment: FAM120A: BP4

NM_014612.5(FAM120A):c.721+21A>T

Gene: FAM120A (family with sequence similarity 120 member A; plus strand). Cytogenetic location: 9q22.31.
Variant type: single nucleotide variant.
Coding change: c.721+21A>T on transcript NM_014612.5 (MANE Select); 21 bases into the intron after coding-DNA position 721, A replaced by T.
Molecular consequence: intron variant.
Genome position (GRCh38, 1-based): chr9:93,471,408, A>T. VCF-style: chr9-93471408-A-T. GRCh37 (hg19) VCF-style: chr9-96233690-A-T.
Other names: c.721+21A>T (NM_001286722.2, NM_001286723.2, NM_001286724.2).
Identifiers: ClinVar variation 2659312 (VCV002659312.24), dbSNP rs372486496, ClinGen allele CA5131513.
Genomic context (GRCh38, chr9:93,471,408, plus strand): 5'-CTGAATCCAAATCGTTTTCCTATTTTTGCTGCTCTCTTAGGTAGGTGGAGCAGTGTGAAA[A>T]TATTTTATAAGGGAGTGACCATATGATAAGCACATTGATCTTTTAAGTGTTTCTGTGCTT-3'